The following is an entry in ClinVar:

NM_001384732.1(CPLANE1):c.5498C>T (p.Ser1833Leu)

Gene: CPLANE1 (ciliogenesis and planar polarity effector complex subunit 1; minus strand). Cytogenetic location: 5p13.2.
Variant type: single nucleotide variant.
Coding change: c.5498C>T on transcript NM_001384732.1 (MANE Select); coding-DNA position 5498, C replaced by T.
Protein change: p.Ser1833Leu; replaces serine 1833 with leucine.
Molecular consequence: missense variant.
Genome position (GRCh38, 1-based): chr5:37,180,929, G>A on the plus strand (C>T on the coding strand, the complement: CPLANE1 is on the minus strand). VCF-style: chr5-37180929-G-A. GRCh37 (hg19) VCF-style: chr5-37181031-G-A.
Other names: c.5498C>T, p.Ser1833Leu (NM_023073.4); short protein forms S1833L.
Identifiers: ClinVar variation 2014082 (VCV002014082.4), dbSNP rs1561516947, ClinGen allele CA359490974.
Genomic context (GRCh38, chr5:37,180,929, plus strand): 5'-TGACAAGATTTATTCTGACCATTTCTTTCCTCAGTTCCACCTGGAGTTGCTACTGCAACT[G>A]AACCGCCAGCATCTGATTTGCTCTCCCTCTCAATATTGGGTCCAATCTGACACCCAGTGT-3'
Protein context (NP_001371661.1, residues 1823-1843): ERESKSDAGG[Ser1833Leu]VAVATPGGTE

ClinVar aggregate classification (germline): Uncertain significance (1 of 4 stars; one submission).

Allele frequency attached by ClinVar (database versions not stated): gnomAD exomes below 0.00001.
gnomAD v4.1: 2 of 1,613,214 alleles (0.00012%); highest among the groups gnomAD compares: Non-Finnish European, 0.000085%; no homozygotes.

Submission:

Labcorp Genetics (formerly Invitae), Labcorp
Classification: Uncertain significance. Last evaluated: 2022-07-13. Review status: criteria provided, single submitter. Criteria: Invitae Variant Classification Sherloc (09022015). Collection method: clinical testing. Allele origin: germline.
Comment: This sequence change replaces serine, which is neutral and polar, with leucine, which is neutral and non-polar, at codon 1833 of the CPLANE1 protein (p.Ser1833Leu). This variant is not present in population databases (gnomAD no frequency). This variant has not been reported in the literature in individuals affected with CPLANE1-related conditions. Advanced modeling of protein sequence and biophysical properties (such as structural, functional, and spatial information, amino acid conservation, physicochemical variation, residue mobility, and thermodynamic stability) performed at Invitae indicates that this missense variant is not expected to disrupt CPLANE1 protein function. In summary, the available evidence is currently insufficient to determine the role of this variant in disease. Therefore, it has been classified as a Variant of Uncertain Significance.